The following is an entry in ClinVar:

NM_000138.5(FBN1):c.3869T>C (p.Ile1290Thr)

Gene: FBN1 (fibrillin 1; minus strand). Cytogenetic location: 15q21.1.
Variant type: single nucleotide variant.
Coding change: c.3869T>C on transcript NM_000138.5 (MANE Select); coding-DNA position 3869, T replaced by C.
Protein change: p.Ile1290Thr; replaces isoleucine 1290 with threonine.
Molecular consequence: missense variant.
Genome position (GRCh38, 1-based): chr15:48,481,750, A>G on the plus strand (T>C on the coding strand, the complement: FBN1 is on the minus strand). VCF-style: chr15-48481750-A-G. GRCh37 (hg19) VCF-style: chr15-48773947-A-G.
Other names: short protein forms I1290T.
Identifiers: ClinVar variation 926085 (VCV000926085.8), dbSNP rs2043467019, ClinGen allele CA392322484.
Genomic context (GRCh38, chr15:48,481,750, plus strand): 5'-CCCATATCACAGTGGCAGATAAATGAGCCTTTCGTGTTTTCACAGGTCCCACTTAGGCAG[A>G]TATTTGGATTCAGGTCACACTCATTGACATCTGTAAAACATATATACTATTAATATATGT-3'
Protein context (NP_000129.3, residues 1280-1300): DVNECDLNPN[Ile1290Thr]CLSGTCENTK

ClinVar aggregate classification (germline): Uncertain significance. Review status: criteria provided, multiple submitters, no conflicts (2 of 4 stars). 4 submissions from 4 submitters: Uncertain significance (4). Last evaluated 2025-01-28.

Conditions:
Familial thoracic aortic aneurysm and aortic dissection (TAAD). Also called: Thoracic aortic aneurysms and dissections. Identifiers: Orphanet 91387, MedGen C4707243, MONDO:0019625.
Weill-Marchesani syndrome 2, dominant. Also called: FBN1-Related Weill-Marchesani Syndrome; Weill-Marchesani Syndrome, Autosomal Dominant. Identifiers: Orphanet 2084, MedGen C1869115, MONDO:0012013, OMIM 608328.
Progeroid and marfanoid aspect-lipodystrophy syndrome. Also called: MARFANOID-PROGEROID SYNDROME; MARFAN-PROGEROID-LIPODYSTROPHY SYNDROME; Marfan lipodystrophy syndrome; MARFANOID-PROGEROID-LIPODYSTROPHY SYNDROME. Identifiers: Orphanet 300382, MedGen C4310796, MONDO:0014831, OMIM 616914.
Acromicric dysplasia (ACMICD). Also called: Acromicric skeletal dysplasia. Identifiers: Orphanet 969, MedGen C0265287, MONDO:0007055, OMIM 102370.
Ectopia lentis 1, isolated, autosomal dominant (ECTOL1). Identifiers: Orphanet 1885, MedGen C3541518, MONDO:0007514, OMIM 129600.
Geleophysic dysplasia 2 (GPHYSD2). Identifiers: Orphanet 2623, MedGen C3280054, MONDO:0013612, OMIM 614185.
Marfan syndrome (MFS). Also called: Marfan syndrome, classic; Marfan syndrome type 1; Marfan's syndrome; FBN1-Related Marfan Syndrome; MARFAN SYNDROME, TYPE I. Identifiers: Orphanet 284963, Orphanet 558, MedGen C0024796, MONDO:0007947, OMIM 154700.
MASS syndrome (OCTD). Also called: OVERLAP CONNECTIVE TISSUE DISEASE; MASS PHENOTYPE. Identifiers: MedGen C1858556, MONDO:0011431, OMIM 604308.
Stiff skin syndrome (SSKS). Identifiers: Orphanet 2833, MedGen C1861456, MONDO:0008492, OMIM 184900.

Allele frequency attached by ClinVar (database versions not stated): gnomAD exomes below 0.00001; TOPMed below 0.00001.
gnomAD v4.1: 2 of 1,613,766 alleles (0.00012%); highest among the groups gnomAD compares: Non-Finnish European, 0.00017%; no homozygotes.

Submissions (4):

GeneDx
Classification: Uncertain significance. Last evaluated: 2025-01-28. Review status: criteria provided, single submitter. Criteria: GeneDx Variant Classification Process June 2021. Collection method: clinical testing. Allele origin: germline. Affected: yes.
Comment: Not observed at significant frequency in large population cohorts (gnomAD); In silico analysis supports that this missense variant has a deleterious effect on protein structure/function; Has not been previously published as pathogenic or benign to our knowledge; Does not affect a cysteine or calcium-binding residue within an EGF-like domain or a TGF-binding protein domain of the FBN1 gene; cysteine substitutions in the EGF-like domains represent the majority of pathogenic missense changes associated with FBN1-related disorders (PMID: 12938084); This variant is associated with the following publications: (PMID: 12938084)

Labcorp Genetics (formerly Invitae), Labcorp
Classification: Uncertain significance for Marfan syndrome; Familial thoracic aortic aneurysm and aortic dissection. Last evaluated: 2024-09-01. Review status: criteria provided, single submitter. Criteria: Invitae Variant Classification Sherloc (09022015). Collection method: clinical testing. Allele origin: germline.
Comment: This sequence change replaces isoleucine, which is neutral and non-polar, with threonine, which is neutral and polar, at codon 1290 of the FBN1 protein (p.Ile1290Thr). This variant is not present in population databases (gnomAD no frequency). This variant has not been reported in the literature in individuals affected with FBN1-related conditions. ClinVar contains an entry for this variant (Variation ID: 926085). Invitae Evidence Modeling of protein sequence and biophysical properties (such as structural, functional, and spatial information, amino acid conservation, physicochemical variation, residue mobility, and thermodynamic stability) indicates that this missense variant is expected to disrupt FBN1 protein function with a positive predictive value of 95%. In summary, the available evidence is currently insufficient to determine the role of this variant in disease. Therefore, it has been classified as a Variant of Uncertain Significance.

Color Diagnostics, LLC DBA Color Health
Classification: Uncertain significance for Familial thoracic aortic aneurysm and aortic dissection. Last evaluated: 2023-12-05. Review status: criteria provided, single submitter. Criteria: ACMG Guidelines, 2015. Collection method: clinical testing. Allele origin: germline.
Comment: This missense variant replaces isoleucine with threonine at codon 1290 of the FBN1 protein. Computational prediction suggests that this variant may have deleterious impact on protein structure and function (internally defined REVEL score threshold >= 0.7, PMID: 27666373). To our knowledge, functional studies have not been reported for this variant. This variant has not been reported in individuals affected with FBN1-related disorders in the literature. This variant has not been identified in the general population by the Genome Aggregation Database (gnomAD). The available evidence is insufficient to determine the role of this variant in disease conclusively. Therefore, this variant is classified as a Variant of Uncertain Significance.

Fulgent Genetics
Classification: Uncertain significance for Acromicric dysplasia; Ectopia lentis 1, isolated, autosomal dominant; Marfan syndrome; Stiff skin syndrome; MASS syndrome; Weill-Marchesani syndrome 2, dominant; Geleophysic dysplasia 2; Progeroid and marfanoid aspect-lipodystrophy syndrome. Last evaluated: 2021-11-15. Review status: criteria provided, single submitter. Criteria: ACMG Guidelines, 2015. Collection method: clinical testing. Allele origin: unknown.